The following is an entry in ClinVar:

ClinVar aggregate classification (germline): Conflicting classifications of pathogenicity. Review status: criteria provided, conflicting classifications (1 of 4 stars). 2 submissions from 2 submitters: Uncertain significance (1); Likely benign (1). Last evaluated 2023-12-18.

Allele frequency attached by ClinVar (database versions not stated): ExAC 0.00002.

Submissions (2):

Ambry Genetics
Classification: Uncertain significance. Last evaluated: 2023-12-18. Review status: criteria provided, single submitter. Criteria: Ambry Variant Classification Scheme 2023. Collection method: clinical testing. Allele origin: germline.

CeGaT Center for Human Genetics Tuebingen
Classification: Likely benign. Last evaluated: 2022-11-01. Review status: criteria provided, single submitter. Criteria: CeGaT Center For Human Genetics Tuebingen Variant Classification Criteria Version 2. Collection method: clinical testing. Allele origin: germline. Affected: yes. Observed: 1 variant allele.
Comment: ATXN3L: BP4, BS2; GS1-600G8.3: BS2

NM_001135995.2(ATXN3L):c.947C>T (p.Thr316Ile)

Genes: ATXN3L (ataxin 3 like; minus strand), GS1-600G8.3 (unknown transcript; plus strand). Cytogenetic location: Xp22.2.
Variant type: single nucleotide variant.
Coding change: c.947C>T on transcript NM_001135995.2 (MANE Select); coding-DNA position 947, C replaced by T.
Protein change: p.Thr316Ile; replaces threonine 316 with isoleucine.
Molecular consequence: missense variant.
Genome position (GRCh38, 1-based): chrX:13,318,988, G>A on the plus strand (C>T on the coding strand, the complement: ATXN3L is on the minus strand). VCF-style: chrX-13318988-G-A. GRCh37 (hg19) VCF-style: chrX-13337107-G-A.
Other names: c.683C>T, p.Thr228Ile (NM_001387036.1); c.947C>T (NM_001135995.1); short protein forms T228I, T316I.
Identifiers: ClinVar variation 2660022 (VCV002660022.25), dbSNP rs762695522, ClinGen allele CA10350666.